The following is an entry in ClinVar:

NC_000007.13:g.(?_147600637)_(147844821_?)dup

Genes: CNTNAP2 (contactin associated protein 2; plus strand), LOC129999529 (ATAC-STARR-seq lymphoblastoid active region 26798; plus strand). Cytogenetic location: 7q35.
Variant type: Duplication.
Identifiers: ClinVar variation 663425 (VCV000663425.8).

ClinVar aggregate classification (germline): Uncertain significance (1 of 4 stars; one submission).

Conditions:
Cortical dysplasia-focal epilepsy syndrome (PTHSL1). Also called: Pitt-Hopkins-like syndrome 1. Identifiers: Orphanet 163681, Orphanet 221150, MedGen C2750246, MONDO:0012400, OMIM 610042.

Submission:

Labcorp Genetics (formerly Invitae), Labcorp
Classification: Uncertain significance for Cortical dysplasia-focal epilepsy syndrome. Last evaluated: 2018-12-28. Review status: criteria provided, single submitter. Criteria: Invitae Variant Classification Sherloc (09022015). Collection method: clinical testing. Allele origin: germline.
Comment: Experimental studies are not available for this variant, and the functional significance of a copy number gain of these exons is currently unknown. In summary, the available evidence is currently insufficient to determine the role of this variant in disease. Therefore, it has been classified as a Variant of Uncertain Significance. This variant has not been reported in the literature in individuals with CNTNAP2-related conditions. This variant results in a copy number gain of the genomic region encompassing exons 14-17 of the CNTNAP2 gene. While the exact position of this variant cannot be determined from this data, sub-genic copy number gains are generally in tandem (PMID: 25640679). This variant would be expected to be in-frame, preserving the integrity of the reading frame.

Literature cited by the submitters: PubMed 25640679.